The following is an entry in ClinVar:

ClinVar aggregate classification (germline): Uncertain significance (1 of 4 stars; one submission).

gnomAD v4.1: 28 of 1,614,084 alleles (0.0017%); highest among the groups gnomAD compares: South Asian, 0.026%; no homozygotes.

Submission:

Labcorp Genetics (formerly Invitae), Labcorp
Classification: Uncertain significance. Last evaluated: 2022-08-05. Review status: criteria provided, single submitter. Criteria: Invitae Variant Classification Sherloc (09022015). Collection method: clinical testing. Allele origin: germline.
Comment: This sequence change replaces glycine, which is neutral and non-polar, with arginine, which is basic and polar, at codon 238 of the GNPTG protein (p.Gly238Arg). This variant is present in population databases (rs762827756, gnomAD 0.04%). This variant has not been reported in the literature in individuals affected with GNPTG-related conditions. Algorithms developed to predict the effect of missense changes on protein structure and function output the following: SIFT: "Tolerated"; PolyPhen-2: "Benign"; Align-GVGD: "Class C0". The arginine amino acid residue is found in multiple mammalian species, which suggests that this missense change does not adversely affect protein function. Algorithms developed to predict the effect of sequence changes on RNA splicing suggest that this variant may create or strengthen a splice site. In summary, the available evidence is currently insufficient to determine the role of this variant in disease. Therefore, it has been classified as a Variant of Uncertain Significance.

NM_032520.5(GNPTG):c.712G>A (p.Gly238Arg)

Gene: GNPTG (N-acetylglucosamine-1-phosphate transferase subunit gamma; plus strand). Cytogenetic location: 16p13.3.
Variant type: single nucleotide variant.
Coding change: c.712G>A on transcript NM_032520.5 (MANE Select); coding-DNA position 712, G replaced by A.
Protein change: p.Gly238Arg; replaces glycine 238 with arginine.
Molecular consequence: missense variant.
Genome position (GRCh38, 1-based): chr16:1,362,713, G>A. VCF-style: chr16-1362713-G-A. GRCh37 (hg19) VCF-style: chr16-1412714-G-A.
Other names: short protein forms G238R.
Identifiers: ClinVar variation 2149028 (VCV002149028.1), dbSNP rs762827756, ClinGen allele CA7807893.